The following is an entry in ClinVar:

NM_014363.6(SACS):c.10938_10941del (p.Lys3646fs)

Gene: SACS (sacsin molecular chaperone; minus strand). Cytogenetic location: 13q12.12.
Variant type: Deletion.
Coding change: c.10938_10941del on transcript NM_014363.6 (MANE Select); coding-DNA positions 10938 to 10941, 4 bases deleted (AGAA; older notation c.10938_10941delAGAA).
Protein change: p.Lys3646fs; shifts the reading frame from lysine 3646.
Molecular consequence: frameshift variant.
Genome position (GRCh38, 1-based): chr13:23,332,935-23,332,938, TTCT deleted on the plus strand (AGAA on the coding strand, the reverse complement: SACS is on the minus strand); deleting any 4 consecutive bases within chr13:23,332,935-23,332,941 gives the same sequence; the c. name uses the placement nearest the transcript's 3' end. VCF-style (leftmost placement, unchanged base first): chr13-23332934-GTTCT-G. GRCh37 (hg19) VCF-style: chr13-23907073-GTTCT-G.
Other names: c.10497_10500del, p.Lys3499fs (NM_001278055.2); short protein forms K3499fs, K3646fs.
Identifiers: ClinVar variation 2173830 (VCV002173830.5), dbSNP rs1195919156, ClinGen allele CA608985228.

ClinVar aggregate classification (germline): Pathogenic. Review status: criteria provided, multiple submitters, no conflicts (2 of 4 stars). 2 submissions from 2 submitters: Pathogenic (2). Last evaluated 2024-08-14.

Conditions:
Charlevoix-Saguenay spastic ataxia (SACS). Also called: SPASTIC ATAXIA 6, AUTOSOMAL RECESSIVE; Spastic ataxia of Charlevoix-Saguenay; AUTOSOMAL RECESSIVE SPASTIC ATAXIA OF CHARLEVOIX-SAGUENAY. Identifiers: Orphanet 98, MedGen C1849140, MONDO:0010041, OMIM 270550.
Spastic paraplegia. Identifiers: MedGen C0037772, HP:0001258.

Submissions (2):

Labcorp Genetics (formerly Invitae), Labcorp
Classification: Pathogenic for Spastic paraplegia. Last evaluated: 2024-08-14. Review status: criteria provided, single submitter. Criteria: Invitae Variant Classification Sherloc (09022015). Collection method: clinical testing. Allele origin: germline.
Comment: This sequence change creates a premature translational stop signal (p.Lys3646Asnfs*4) in the SACS gene. While this is not anticipated to result in nonsense mediated decay, it is expected to disrupt the last 934 amino acid(s) of the SACS protein. This variant is present in population databases (no rsID available, gnomAD 0.0009%). This variant has not been reported in the literature in individuals affected with SACS-related conditions. ClinVar contains an entry for this variant (Variation ID: 2173830). This variant disrupts a region of the SACS protein in which other variant(s) (p.Asn4549Asp) have been determined to be pathogenic (PMID: 15156359, 21507954). This suggests that this is a clinically significant region of the protein, and that variants that disrupt it are likely to be disease-causing. For these reasons, this variant has been classified as Pathogenic.

Baylor Genetics
Classification: Pathogenic for Charlevoix-Saguenay spastic ataxia. Last evaluated: 2022-12-21. Review status: criteria provided, single submitter. Criteria: ACMG Guidelines, 2015. Collection method: clinical testing. Allele origin: unknown.

Literature cited by the submitters: PubMed 15156359 (cited by Labcorp Genetics (formerly Invitae), Labcorp); PubMed 21507954 (cited by Labcorp Genetics (formerly Invitae), Labcorp).